The following is an entry in ClinVar:

NM_020921.4(NIN):c.4837C>T (p.Arg1613Cys)

Gene: NIN (ninein; minus strand). Cytogenetic location: 14q22.1.
Variant type: single nucleotide variant.
Coding change: c.4837C>T on transcript NM_020921.4 (MANE Select); coding-DNA position 4837, C replaced by T.
Protein change: p.Arg1613Cys; replaces arginine 1613 with cysteine.
Molecular consequence: missense variant.
Genome position (GRCh38, 1-based): chr14:50,752,631, G>A on the plus strand (C>T on the coding strand, the complement: NIN is on the minus strand). VCF-style: chr14-50752631-G-A. GRCh37 (hg19) VCF-style: chr14-51219349-G-A.
Other names: c.2698C>T, p.Arg900Cys (NM_016350.5); c.4837C>T, p.Arg1613Cys (NM_182944.3, NM_182946.2); short protein forms R1613C, R900C.
Identifiers: ClinVar variation 129791 (VCV000129791.16), dbSNP rs61755995, ClinGen allele CA154097.

ClinVar aggregate classification (germline): Benign. Review status: criteria provided, multiple submitters, no conflicts (2 of 4 stars). 4 submissions from 4 submitters: Benign (3). 1 of the submissions does not count toward it. Last evaluated 2026-01-29.

Allele frequency attached by ClinVar (database versions not stated): ESP Exome Variant Server 0.00046; gnomAD 0.00434 and 0.00643; gnomAD exomes 0.00603 and 0.01260; TOPMed 0.00812; ExAC 0.01180; 1000 Genomes Project 30x 0.02826; 1000 Genomes Project 0.03215.
gnomAD v4.1: 9,752 of 1,613,602 alleles (0.6%); highest among the groups gnomAD compares: East Asian, 17%; 730 homozygotes.

Submissions (4):

Labcorp Genetics (formerly Invitae), Labcorp
Classification: Benign. Last evaluated: 2026-01-29. Review status: criteria provided, single submitter. Criteria: Invitae Variant Classification Sherloc (09022015). Collection method: clinical testing. Allele origin: germline.

GeneDx
Classification: Benign. Last evaluated: 2021-05-04. Review status: criteria provided, single submitter. Criteria: GeneDx Variant Classification Process June 2021. Collection method: clinical testing. Allele origin: germline. Affected: yes.

Breakthrough Genomics
Classification: Benign. Review status: criteria provided, single submitter. Criteria: ACMG Guidelines, 2015. Collection method: not provided. Allele origin: germline. Inheritance: Autosomal recessive inheritance. Affected: yes.

Genetic Services Laboratory, University of Chicago
Classification: Likely benign for AllHighlyPenetrant. Review status: no assertion criteria provided. Collection method: clinical testing. Allele origin: germline. Inheritance: Autosomal recessive inheritance. Not counted in ClinVar's aggregate classification.
Comment: Likely benign based on allele frequency in 1000 Genomes Project or ESP global frequency and its presence in a patient with a rare or unrelated disease phenotype. NOT Sanger confirmed.